The following is an entry in ClinVar:

NM_001430.5(EPAS1):c.1688G>A (p.Cys563Tyr)

Gene: EPAS1 (endothelial PAS domain protein 1; plus strand). Cytogenetic location: 2p21.
Variant type: single nucleotide variant.
Coding change: c.1688G>A on transcript NM_001430.5 (MANE Select); coding-DNA position 1688, G replaced by A.
Protein change: p.Cys563Tyr; replaces cysteine 563 with tyrosine.
Molecular consequence: missense variant.
Genome position (GRCh38, 1-based): chr2:46,380,360, G>A. VCF-style: chr2-46380360-G-A. GRCh37 (hg19) VCF-style: chr2-46607499-G-A.
Other names: short protein forms C563Y.
Identifiers: ClinVar variation 3221566 (VCV003221566.1), dbSNP rs1204027343, ClinGen allele CA346704668.

ClinVar aggregate classification (germline): Uncertain significance (1 of 4 stars; one submission).

Conditions:
Inborn genetic diseases. Identifiers: MedGen C0950123, MeSH D030342.

Allele frequency attached by ClinVar (database versions not stated): TOPMed below 0.00001; gnomAD 0.00001.
gnomAD v4.1: 2 of 1,614,002 alleles (0.00012%); highest among the groups gnomAD compares: Non-Finnish European, 0.000085%; no homozygotes.

Submission:

Ambry Genetics
Classification: Uncertain significance for Inborn genetic diseases. Last evaluated: 2023-11-22. Review status: criteria provided, single submitter. Criteria: Ambry Variant Classification Scheme 2023. Collection method: clinical testing. Allele origin: germline.
Comment: The p.C563Y variant (also known as c.1688G>A), located in coding exon 12 of the EPAS1 gene, results from a G to A substitution at nucleotide position 1688. The cysteine at codon 563 is replaced by tyrosine, an amino acid with highly dissimilar properties. This amino acid position is conserved. In addition, this alteration is predicted to be tolerated by in silico analysis. Since supporting evidence is limited at this time, the clinical significance of this alteration remains unclear.